The following is an entry in ClinVar:

NM_000346.4(SOX9):c.316A>C (p.Lys106Gln)

Genes: SOX9 (SRY-box transcription factor 9; plus strand), LOC108021846 (SOX9 promoter region; plus strand). Cytogenetic location: 17q24.3.
Variant type: single nucleotide variant.
Coding change: c.316A>C on transcript NM_000346.4 (MANE Select); coding-DNA position 316, A replaced by C.
Protein change: p.Lys106Gln; replaces lysine 106 with glutamine.
Molecular consequence: missense variant.
Genome position (GRCh38, 1-based): chr17:72,121,707, A>C. VCF-style: chr17-72121707-A-C. GRCh37 (hg19) VCF-style: chr17-70117848-A-C.
Other names: short protein forms K106Q.
Identifiers: ClinVar variation 3775658 (VCV003775658.1).

ClinVar aggregate classification (germline): Uncertain significance (1 of 4 stars; one submission).

Conditions:
Camptomelic dysplasia (CMPD). Also called: Campomelic Dysplasia; CMPD1/SRA1. Identifiers: Orphanet 140, MedGen C1861922, MONDO:0007251, OMIM 114290.

Submission:

3billion
Classification: Uncertain significance for Camptomelic dysplasia. Last evaluated: 2024-01-24. Review status: criteria provided, single submitter. Criteria: ACMG Guidelines, 2015. Collection method: clinical testing. Allele origin: germline. Affected: yes.
Comment: The variant is not observed in the gnomAD v2.1.1 dataset. Predicted Consequence/Location: Missense variant In silico tool predictions suggest damaging effect of the variant on gene or gene product [REVEL: 0.94 (>=0.6, sensitivity 0.68 and specificity 0.92); 3Cnet: 0.89 (>=0.6, sensitivity 0.72 and precision 0.9)]. A different missense change at the same codon (p.Lys106Glu) has been reported to be associated with SOX9-related disorder (PMID: 20812307). However the evidence of pathogenicity is insufficient at this time. Therefore, this variant is classified as VUS according to the recommendation of ACMG/AMP guideline.

Literature cited by the submitters: PubMed 20812307.